The following is an entry in ClinVar:

ClinVar aggregate classification (germline): Uncertain significance (1 of 4 stars; one submission).

Conditions:
Congenital myasthenic syndrome 8. Also called: MYASTHENIC SYNDROME, CONGENITAL, DUE TO AGRIN DEFICIENCY; Myasthenic syndrome, congenital, 8, with pre- and postsynaptic defects. Identifiers: Orphanet 590, MedGen C3808739, MONDO:0014052, OMIM 615120.

Allele frequency attached by ClinVar (database versions not stated): gnomAD exomes below 0.00001; TOPMed below 0.00001.
gnomAD v4.1: 3 of 1,606,912 alleles (0.00019%); highest among the groups gnomAD compares: Non-Finnish European, 0.00025%; no homozygotes.

Submission:

Labcorp Genetics (formerly Invitae), Labcorp
Classification: Uncertain significance for Congenital myasthenic syndrome 8. Last evaluated: 2021-08-26. Review status: criteria provided, single submitter. Criteria: Invitae Variant Classification Sherloc (09022015). Collection method: clinical testing. Allele origin: germline.
Comment: This sequence change replaces valine with alanine at codon 1035 of the AGRN protein (p.Val1035Ala). The valine residue is weakly conserved and there is a small physicochemical difference between valine and alanine. This variant is not present in population databases (ExAC no frequency). This variant has not been reported in the literature in individuals affected with AGRN-related conditions. Algorithms developed to predict the effect of missense changes on protein structure and function output the following: SIFT: "Tolerated"; PolyPhen-2: "Benign"; Align-GVGD: "Class C0". The alanine amino acid residue is found in multiple mammalian species, which suggests that this missense change does not adversely affect protein function. In summary, the available evidence is currently insufficient to determine the role of this variant in disease. Therefore, it has been classified as a Variant of Uncertain Significance.

NM_198576.4(AGRN):c.3104T>C (p.Val1035Ala)

Gene: AGRN (agrin; plus strand). Cytogenetic location: 1p36.33.
Variant type: single nucleotide variant.
Coding change: c.3104T>C on transcript NM_198576.4 (MANE Select); coding-DNA position 3104, T replaced by C.
Protein change: p.Val1035Ala; replaces valine 1035 with alanine.
Molecular consequence: missense variant.
Genome position (GRCh38, 1-based): chr1:1,046,589, T>C. VCF-style: chr1-1046589-T-C. GRCh37 (hg19) VCF-style: chr1-981969-T-C.
Other names: c.3104T>C, p.Val1035Ala (NM_001305275.2); c.2789T>C, p.Val930Ala (NM_001364727.2); short protein forms V930A, V1035A.
Identifiers: ClinVar variation 942337 (VCV000942337.7), dbSNP rs1292494843, ClinGen allele CA337847095.